The following is an entry in ClinVar:

NM_001278512.2(AP3B2):c.1756A>G (p.Ile586Val)

Genes: AP3B2 (adaptor related protein complex 3 subunit beta 2; minus strand), CPEB1-AS1 (CPEB1 antisense RNA 1; plus strand). Cytogenetic location: 15q25.2.
Variant type: single nucleotide variant.
Coding change: c.1756A>G on transcript NM_001278512.2 (MANE Select); coding-DNA position 1756, A replaced by G.
Protein change: p.Ile586Val; replaces isoleucine 586 with valine.
Molecular consequence: missense variant.
Genome position (GRCh38, 1-based): chr15:82,666,843, T>C on the plus strand (A>G on the coding strand, the complement: AP3B2 is on the minus strand). VCF-style: chr15-82666843-T-C. GRCh37 (hg19) VCF-style: chr15-83335595-T-C.
Other names: c.1660A>G, p.Ile554Val (NM_001278511.2); c.1756A>G, p.Ile586Val (NM_004644.5); short protein forms I586V, I554V.
Identifiers: ClinVar variation 1422726 (VCV001422726.8), dbSNP rs1567258222, ClinGen allele CA393314002.

ClinVar aggregate classification (germline): Uncertain significance (1 of 4 stars; one submission).

Allele frequency attached by ClinVar (database versions not stated): gnomAD exomes below 0.00001.

Submission:

Labcorp Genetics (formerly Invitae), Labcorp
Classification: Uncertain significance. Last evaluated: 2020-12-31. Review status: criteria provided, single submitter. Criteria: Invitae Variant Classification Sherloc (09022015). Collection method: clinical testing. Allele origin: germline.
Comment: This sequence change replaces isoleucine with valine at codon 586 of the AP3B2 protein (p.Ile586Val). The isoleucine residue is highly conserved and there is a small physicochemical difference between isoleucine and valine. This variant is not present in population databases (ExAC no frequency). This variant has not been reported in the literature in individuals with AP3B2-related conditions. Algorithms developed to predict the effect of missense changes on protein structure and function (SIFT, PolyPhen-2, Align-GVGD) all suggest that this variant is likely to be tolerated, but these predictions have not been confirmed by published functional studies and their clinical significance is uncertain. In summary, the available evidence is currently insufficient to determine the role of this variant in disease. Therefore, it has been classified as a Variant of Uncertain Significance.